The following is an entry in ClinVar:

ClinVar aggregate classification (germline): Conflicting classifications of pathogenicity. Review status: criteria provided, conflicting classifications (1 of 4 stars). 4 submissions from 4 submitters: Likely pathogenic (1); Uncertain significance (3). Last evaluated 2026-07-26.

Conditions:
Capillary malformation-arteriovenous malformation 1 (CMAVM1). Identifiers: Orphanet 137667, Orphanet 693907, MedGen C4747394, MONDO:0020783, OMIM 608354.
RASA1-related disorder. Also called: RASA1-related condition.
Capillary malformation-arteriovenous malformation syndrome. Also called: Capillary malformation-arteriovenous malformation. Identifiers: Orphanet 137667, MedGen C1842180, MONDO:0012016.

Submissions (4):

GeneDx
Classification: Uncertain significance. Last evaluated: 2026-07-26. Review status: criteria provided, single submitter. Criteria: GeneDx Variant Classification Process June 2021. Collection method: clinical testing. Allele origin: germline.
Comment: Identified in paraffin-embedded vascular malformation tissue; other variants were identified in the TEK, FLT1, and KDR genes (PMID: 33248299); Not observed at significant frequency in large population cohorts (gnomAD); In silico analysis supports that this missense variant has a deleterious effect on protein structure/function; This variant is associated with the following publications: (PMID: 33248299)

Victorian Clinical Genetics Services, Murdoch Childrens Research Institute
Classification: Uncertain significance for Capillary malformation-arteriovenous malformation 1. Last evaluated: 2023-07-17. Review status: criteria provided, single submitter. Criteria: ACMG Guidelines, 2015. Collection method: clinical testing. Allele origin: germline. Inheritance: Autosomal dominant inheritance. Affected: yes.
Comment: Based on the classification scheme VCGS_Germline_v1.3.4, this variant is classified as VUS-3A. Following criteria are met: 0102 - Loss of function is a known mechanism of disease in this gene and is associated with capillary malformation-arteriovenous malformation 1 (MIM#608354). (I) 0107 - This gene is associated with autosomal dominant disease. (I) 0115 - Variants in this gene are known to have variable expressivity (PMID: 36980822). (I) 0200 - Variant is predicted to result in a missense amino acid change from arginine to glutamine. (I) 0251 - This variant is heterozygous. (I) 0301 - Variant is absent from gnomAD (both v2 and v3). (SP) 0502 - Missense variant with conflicting in silico predictions and high conservation. (I) 0600 - Variant is located in the annotated RasGAP, GTPase-activator protein for Ras-like GTPase domain (DECIPHER). This variant is also highlighted as an important residue in the Ras interface, and has been suggested to form a polar interaction with Glu63 of Ras (NCBI, PMID: 9219684). (I) 0705 - No comparable missense variants have previous evidence for pathogenicity. (I) 0809 - Previous evidence of pathogenicity for this variant is inconclusive. This variant has been classified as a VUS by two clinical laboratories in ClinVar, one of which has observed the variant in a father and child with vascular malformations (Invitae, personal correspondence). This variant has also been observed along with four other variants of uncertain significance in different genes in an individual with a venous malformation (PMID: 33248299). (I) 1010 - Functional evidence for this variant is inconclusive. Mutagenesis studies in cells have shown that this variant alone does not significantly impact Ras inactivation, but when this variant and p.(Arg789Gln) are present, Ras inactivation is reduced. However, studies of the p.(Arg789Gln) variant alone were not performed (PMID: 15574420). (SP) Legend: (SP) - Supporting pathogenic, (I) - Information, (SB) - Supporting benign

Labcorp Genetics (formerly Invitae), Labcorp
Classification: Uncertain significance for Capillary malformation-arteriovenous malformation syndrome. Last evaluated: 2023-04-09. Review status: criteria provided, single submitter. Criteria: Invitae Variant Classification Sherloc (09022015). Collection method: clinical testing. Allele origin: germline.
Comment: This sequence change replaces arginine, which is basic and polar, with glutamine, which is neutral and polar, at codon 903 of the RASA1 protein (p.Arg903Gln). This variant is not present in population databases (gnomAD no frequency). This variant has not been reported in the literature in individuals affected with RASA1-related conditions. ClinVar contains an entry for this variant (Variation ID: 1316222). An algorithm developed to predict the effect of missense changes on protein structure and function (PolyPhen-2) suggests that this variant is likely to be disruptive. In summary, the available evidence is currently insufficient to determine the role of this variant in disease. Therefore, it has been classified as a Variant of Uncertain Significance.

PreventionGenetics, part of Exact Sciences
Classification: Likely pathogenic for RASA1-related condition. Last evaluated: 2022-12-22. Review status: criteria provided, single submitter. Criteria: ACMG Guidelines, 2015. Collection method: clinical testing. Allele origin: germline.
Comment: The RASA1 c.2708G>A variant is predicted to result in the amino acid substitution p.Arg903Gln. To our knowledge, this variant has not been reported in the literature or in a large population database, indicating this variant is rare. At this time, the clinical significance of this variant is uncertain due to the absence of conclusive functional and genetic evidence.

Literature cited by the submitters: PubMed 9219684 (cited by Victorian Clinical Genetics Services, Murdoch Childrens Research Institute); PubMed 15574420 (cited by Victorian Clinical Genetics Services, Murdoch Childrens Research Institute); PubMed 33248299 (cited by Victorian Clinical Genetics Services, Murdoch Childrens Research Institute); PubMed 36980822 (cited by Victorian Clinical Genetics Services, Murdoch Childrens Research Institute).

NM_002890.3(RASA1):c.2708G>A (p.Arg903Gln)

Genes: CCNH (cyclin H; minus strand), RASA1 (RAS p21 protein activator 1; plus strand). Cytogenetic location: 5q14.3.
Variant type: single nucleotide variant.
Coding change: c.2708G>A on transcript NM_002890.3 (MANE Select); coding-DNA position 2708, G replaced by A.
Protein change: p.Arg903Gln; replaces arginine 903 with glutamine.
Molecular consequence: missense variant. On other transcripts: intron variant (1).
Genome position (GRCh38, 1-based): chr5:87,383,730, G>A. VCF-style: chr5-87383730-G-A. GRCh37 (hg19) VCF-style: chr5-86679547-G-A.
Other names: c.2177G>A, p.Arg726Gln (NM_022650.3); c.933+11314C>T (NM_001364075.2); short protein forms R726Q, R903Q.
Identifiers: ClinVar variation 1316222 (VCV001316222.12), dbSNP rs2112509032, ClinGen allele CA360386284.